The following is an entry in ClinVar:

ClinVar aggregate classification (germline): Uncertain significance (1 of 4 stars; one submission).

Conditions:
Desmin-related myofibrillar myopathy (MFM1). Also called: Desminopathy; Desmin related myopathy (former name); Desmin storage myopathy (former name); MYOFIBRILLAR MYOPATHY WITH ARRHYTHMOGENIC RIGHT VENTRICULAR CARDIOMYOPATHY; DESMIN-RELATED MYOPATHY WITH ARRHYTHMOGENIC RIGHT VENTRICULAR CARDIOMYOPATHY; Myofibrillar myopathy 1. Identifiers: Orphanet 363543, Orphanet 98909, MedGen C1832370, MONDO:0011076, OMIM 601419.

Submission:

Labcorp Genetics (formerly Invitae), Labcorp
Classification: Uncertain significance for Desmin-related myofibrillar myopathy. Last evaluated: 2024-02-27. Review status: criteria provided, single submitter. Criteria: Invitae Variant Classification Sherloc (09022015). Collection method: clinical testing. Allele origin: germline.
Comment: This sequence change replaces arginine, which is basic and polar, with leucine, which is neutral and non-polar, at codon 180 of the DES protein (p.Arg180Leu). This variant is not present in population databases (gnomAD no frequency). This variant has not been reported in the literature in individuals affected with DES-related conditions. Advanced modeling of protein sequence and biophysical properties (such as structural, functional, and spatial information, amino acid conservation, physicochemical variation, residue mobility, and thermodynamic stability) has been performed at Invitae for this missense variant, however the output from this modeling did not meet the statistical confidence thresholds required to predict the impact of this variant on DES protein function. In summary, the available evidence is currently insufficient to determine the role of this variant in disease. Therefore, it has been classified as a Variant of Uncertain Significance.

NM_001927.4(DES):c.539G>T (p.Arg180Leu)

Gene: DES (desmin; plus strand). Cytogenetic location: 2q35.
Variant type: single nucleotide variant.
Coding change: c.539G>T on transcript NM_001927.4 (MANE Select); coding-DNA position 539, G replaced by T.
Protein change: p.Arg180Leu; replaces arginine 180 with leucine.
Molecular consequence: missense variant. On other transcripts: intron variant (1).
Genome position (GRCh38, 1-based): chr2:219,419,001, G>T. VCF-style: chr2-219419001-G-T. GRCh37 (hg19) VCF-style: chr2-220283723-G-T.
Other names: c.539G>T, p.Arg180Leu (NM_001382708.1, NM_001382709.1, NM_001382710.1 and 2 more transcripts); c.495+44G>T (NM_001382713.1); short protein forms R180L.
Identifiers: ClinVar variation 3761081 (VCV003761081.2).
Genomic context (GRCh38, chr2:219,419,001, plus strand): 5'-GGGAGCTGCGGCGCCAGGTGGAGGTGCTCACTAACCAGCGCGCGCGCGTCGACGTCGAGC[G>T]CGACAACCTGCTCGACGACCTGCAGCGGCTCAAGGCCAAGTGAGGGCCCGGCACCCCAGA-3'
Protein context (NP_001918.3, residues 170-190): TNQRARVDVE[Arg180Leu]DNLLDDLQRL